The following is an entry in ClinVar:

NM_001040108.2(MLH3):c.4112G>A (p.Gly1371Asp)

Gene: MLH3 (mutL homolog 3; minus strand). Cytogenetic location: 14q24.3.
Variant type: single nucleotide variant.
Coding change: c.4112G>A on transcript NM_001040108.2 (MANE Select); coding-DNA position 4112, G replaced by A.
Protein change: p.Gly1371Asp; replaces glycine 1371 with aspartic acid.
Molecular consequence: missense variant.
Genome position (GRCh38, 1-based): chr14:75,018,959, C>T on the plus strand (G>A on the coding strand, the complement: MLH3 is on the minus strand). VCF-style: chr14-75018959-C-T. GRCh37 (hg19) VCF-style: chr14-75485662-C-T.
Other names: c.4040G>A, p.Gly1347Asp (NM_014381.3); short protein forms G1371D, G1347D.
Identifiers: ClinVar variation 4108608 (VCV004108608.2).

ClinVar aggregate classification (germline): Uncertain significance. Review status: criteria provided, multiple submitters, no conflicts (2 of 4 stars). 2 submissions from 2 submitters: Uncertain significance (2). Last evaluated 2025-11-04.

Conditions:
Colorectal cancer, hereditary nonpolyposis, type 7. Identifiers: Orphanet 144, MedGen C1858380, MONDO:0013725, OMIM 614385.

Submissions (2):

Labcorp Genetics (formerly Invitae), Labcorp
Classification: Uncertain significance for Colorectal cancer, hereditary nonpolyposis, type 7. Last evaluated: 2025-11-04. Review status: criteria provided, single submitter. Criteria: Invitae Variant Classification Sherloc (09022015). Collection method: clinical testing. Allele origin: germline.
Comment: This sequence change replaces glycine, which is neutral and non-polar, with aspartic acid, which is acidic and polar, at codon 1371 of the MLH3 protein (p.Gly1371Asp). This variant is present in population databases (rs778176296, gnomAD 0.007%). This variant has not been reported in the literature in individuals affected with MLH3-related conditions. ClinVar contains an entry for this variant (Variation ID: 4108608). An algorithm developed to predict the effect of missense changes on protein structure and function outputs the following: PolyPhen-2: "Benign". The aspartic acid amino acid residue is found in multiple mammalian species, which suggests that this missense change does not adversely affect protein function. In summary, the available evidence is currently insufficient to determine the role of this variant in disease. Therefore, it has been classified as a Variant of Uncertain Significance.

Ambry Genetics
Classification: Uncertain significance. Last evaluated: 2025-07-03. Review status: criteria provided, single submitter. Criteria: Ambry Variant Classification Scheme 2023. Collection method: clinical testing. Allele origin: germline.
Comment: The p.G1371D variant (also known as c.4112G>A), located in coding exon 11 of the MLH3 gene, results from a G to A substitution at nucleotide position 4112. The glycine at codon 1371 is replaced by aspartic acid, an amino acid with similar properties. This amino acid position is conserved. In addition, this alteration is predicted to be tolerated by in silico analysis. The evidence for this gene-disease relationship is limited; therefore, the clinical significance of this alteration is unclear.